The following is an entry in ClinVar:

ClinVar aggregate classification (germline): Uncertain significance. Review status: criteria provided, multiple submitters, no conflicts (2 of 4 stars). 5 submissions from 5 submitters: Uncertain significance (5). Last evaluated 2025-12-04.

Conditions:
Familial melanoma. Also called: Hereditary melanoma; Hereditary cutaneous melanoma. Identifiers: Orphanet 618, MedGen C1512419, MONDO:0018961.
Hereditary cancer-predisposing syndrome. Also called: Neoplastic Syndromes, Hereditary; Hereditary Cancer Syndrome; Tumor predisposition; Hereditary neoplastic syndrome. Identifiers: Orphanet 140162, MedGen C0027672, MeSH D009386, MONDO:0015356.
Melanoma and neural system tumor syndrome. Also called: MELANOMA-ASTROCYTOMA SYNDROME. Identifiers: Orphanet 252206, MedGen C1835042, MONDO:0007967, OMIM 155755.
Melanoma-pancreatic cancer syndrome. Identifiers: Orphanet 404560, MedGen C1838547, MONDO:0011713, OMIM 606719. Disease mechanism: loss of function.
Melanoma, cutaneous malignant, susceptibility to, 2 (CMM2). Also called: CDKN2A-Related Cutaneous Malignant Melanoma; Cutaneous malignant melanoma 2. Identifiers: Orphanet 618, MedGen C1835044, MONDO:0007964, OMIM 155601.

gnomAD v4.1: 3 of 1,604,466 alleles (0.00019%); highest among the groups gnomAD compares: Non-Finnish European, 0.00017%; no homozygotes.

Submissions (5):

Ambry Genetics
Classification: Uncertain significance for Hereditary cancer-predisposing syndrome. Last evaluated: 2025-12-04. Review status: criteria provided, single submitter. Criteria: Ambry Variant Classification Scheme 2023. Collection method: clinical testing. Allele origin: germline.
Comment: The p.A85T variant (also known as c.253G>A), located in coding exon 2 of the CDKN2A gene, results from a G to A substitution at nucleotide position 253. The alanine at codon 85 is replaced by threonine, an amino acid with similar properties. One study reported this alteration in an individual with a personal history of melanoma and familial melanoma; however this alteration was not present in the patient's brother, who is also affected with melanoma, leading authors to conclude it was a polymorphism (FitzGerald MG et al. Proc. Natl. Acad. Sci. U.S.A., 1996 Aug;93:8541-5). This alteration has been observed in at least one individual with a personal and/or family history that is consistent with CDKN2A-related disease, but has also been found in unaffected individuals (Ambry internal data). This amino acid position is highly conserved in available vertebrate species. In addition, this alteration is predicted to be deleterious by in silico analysis. Based on the available evidence, the clinical significance of this variant remains unclear.

Labcorp Genetics (formerly Invitae), Labcorp
Classification: Uncertain significance for Familial melanoma. Last evaluated: 2024-06-25. Review status: criteria provided, single submitter. Criteria: Invitae Variant Classification Sherloc (09022015). Collection method: clinical testing. Allele origin: germline.
Comment: The CDKN2A gene encodes two different proteins, p16INK4a and p14ARF, which are translated from alternative transcripts with different open reading frames. Both transcripts have been analyzed. We report either the variant with the higher classification or default to the CDKN2A (p16INK4a) variant. This report therefore includes the details for the CDKN2A (p16INK4a) variant. This sequence change replaces alanine, which is neutral and non-polar, with threonine, which is neutral and polar, at codon 85 of the CDKN2A (p16INK4a) protein (p.Ala85Thr). The frequency data for this variant in the population databases is considered unreliable, as metrics indicate poor data quality at this position in the gnomAD database. This variant has been reported in an individual affected with melanoma, however, the variant was not present in the brother who was also affected, which suggests that this variant may not be disease-causing (PMID: 8710906). This variant has also been reported in an individual affected with breast cancer and cutaneous melanoma (PMID: 19571771). This variant is also known as c.296G>A (p.Arg99His) in the CDKN2A (p14ARF) transcript. ClinVar contains an entry for this variant (Variation ID: 236983). An algorithm developed to predict the effect of missense changes on protein structure and function (PolyPhen-2) suggests that this variant is likely to be disruptive. In summary, the available evidence is currently insufficient to determine the role of this variant in disease. Therefore, it has been classified as a Variant of Uncertain Significance.

Baylor Genetics
Classification: Uncertain significance for Melanoma and neural system tumor syndrome. Last evaluated: 2023-08-12. Review status: criteria provided, single submitter. Criteria: ACMG Guidelines, 2015. Collection method: clinical testing. Allele origin: unknown.

Fulgent Genetics
Classification: Uncertain significance for Melanoma, cutaneous malignant, susceptibility to, 2; Melanoma and neural system tumor syndrome; Melanoma-pancreatic cancer syndrome. Last evaluated: 2022-03-15. Review status: criteria provided, single submitter. Criteria: ACMG Guidelines, 2015. Collection method: clinical testing. Allele origin: unknown.

Color Diagnostics, LLC DBA Color Health
Classification: Uncertain significance for Hereditary cancer-predisposing syndrome. Last evaluated: 2021-09-07. Review status: criteria provided, single submitter. Criteria: ACMG Guidelines, 2015. Collection method: clinical testing. Allele origin: germline.
Comment: This missense variant replaces alanine with threonine at codon 85 of the CDKN2A (p16INK4A) protein. Computational prediction suggests that this variant may have deleterious impact on protein structure and function (internally defined REVEL score threshold >= 0.7, PMID: 27666373). To our knowledge, functional studies have not been reported for this variant. This variant has been reported in an individual affected with cutaneous melanoma and breast cancer (PMID: 19571771). This variant has also been reported in a homozygous individual affected with melanoma, however, it was absent in the proband's affected brother (PMID: 8710906). This variant has been identified in 2/231476 chromosomes in the general population by the Genome Aggregation Database (gnomAD). The available evidence is insufficient to determine the role of this variant in disease conclusively. Therefore, this variant is classified as a Variant of Uncertain Significance.

Literature cited by the submitters: PubMed 18573309 (cited by Ambry Genetics); PubMed 19571771 (cited by 3 submitters); PubMed 21085193 (cited by Ambry Genetics); PubMed 21462282 (cited by Ambry Genetics); PubMed 33945383 (cited by Ambry Genetics); PubMed 8552400 (cited by Ambry Genetics); PubMed 8710906 (cited by 3 submitters); PubMed 9053859 (cited by Ambry Genetics); PubMed 9823374 (cited by Ambry Genetics).

NM_000077.5(CDKN2A):c.253G>A (p.Ala85Thr)

Gene: CDKN2A (cyclin dependent kinase inhibitor 2A; minus strand). Cytogenetic location: 9p21.3.
Variant type: single nucleotide variant.
Coding change: c.253G>A on transcript NM_000077.5; coding-DNA position 253, G replaced by A.
Protein change: p.Ala85Thr; replaces alanine 85 with threonine.
Molecular consequence: missense variant (on NM_000077.6). On other transcripts: 3 prime UTR variant (1).
Genome position (GRCh38, 1-based): chr9:21,971,106, C>T on the plus strand (G>A on the coding strand, the complement: CDKN2A is on the minus strand). VCF-style: chr9-21971106-C-T. GRCh37 (hg19) VCF-style: chr9-21971105-C-T.
Other names: c.253G>A, p.Ala85Thr (NM_000077.6, NM_001195132.2); c.100G>A, p.Ala34Thr (NM_001363763.2); c.296G>A, p.Arg99His (NM_058195.4); c.*176G>A (NM_058197.5); short protein forms A85T, R99H, A34T.
Identifiers: ClinVar variation 236983 (VCV000236983.22), dbSNP rs878853646, ClinGen allele CA10582654.